The following is an entry in ClinVar:

NM_052874.5(STX1B):c.394G>T (p.Glu132Ter)

Gene: STX1B (syntaxin 1B; minus strand). Cytogenetic location: 16p11.2.
Variant type: single nucleotide variant.
Coding change: c.394G>T on transcript NM_052874.5 (MANE Select); coding-DNA position 394, G replaced by T.
Protein change: p.Glu132Ter; replaces glutamic acid 132 with a stop codon.
Molecular consequence: nonsense.
Genome position (GRCh38, 1-based): chr16:30,997,020, C>A on the plus strand (G>T on the coding strand, the complement: STX1B is on the minus strand). VCF-style: chr16-30997020-C-A. GRCh37 (hg19) VCF-style: chr16-31008341-C-A.
Other names: short protein forms E132*.
Identifiers: ClinVar variation 620559 (VCV000620559.6), dbSNP rs1567378099, ClinGen allele CA395649167.

ClinVar aggregate classification (germline): Pathogenic/Likely pathogenic. Review status: criteria provided, multiple submitters, no conflicts (2 of 4 stars). 2 submissions from 2 submitters: Pathogenic (1); Likely pathogenic (1). Last evaluated 2022-09-18.

Conditions:
Generalized epilepsy with febrile seizures plus, type 9 (GEFSP9). Also called: GEFS+, TYPE 9. Identifiers: Orphanet 36387, MedGen C4015395, MONDO:0014517, OMIM 616172.

Submissions (2):

Labcorp Genetics (formerly Invitae), Labcorp
Classification: Pathogenic for Generalized epilepsy with febrile seizures plus, type 9. Last evaluated: 2022-09-18. Review status: criteria provided, single submitter. Criteria: Invitae Variant Classification Sherloc (09022015). Collection method: clinical testing. Allele origin: germline.
Comment: ClinVar contains an entry for this variant (Variation ID: 620559). For these reasons, this variant has been classified as Pathogenic. This variant has not been reported in the literature in individuals affected with STX1B-related conditions. This variant is not present in population databases (gnomAD no frequency). This sequence change creates a premature translational stop signal (p.Glu132*) in the STX1B gene. It is expected to result in an absent or disrupted protein product. Loss-of-function variants in STX1B are known to be pathogenic (PMID: 25362483).

GeneDx
Classification: Likely pathogenic. Last evaluated: 2020-02-08. Review status: criteria provided, single submitter. Criteria: GeneDx Variant Classification Process June 2021. Collection method: clinical testing. Allele origin: germline. Affected: yes.
Comment: Nonsense variant predicted to result in protein truncation or nonsense mediated decay in a gene for which loss-of-function is a known mechanism of disease; Not observed in large population cohorts (Lek et al., 2016); Has not been previously published as pathogenic or benign to our knowledge

Literature cited by the submitters: PubMed 25362483 (cited by Labcorp Genetics (formerly Invitae), Labcorp).